The following is an entry in ClinVar:

NM_001376256.1(CRYM):c.762C>T (p.Ala254=)

Gene: CRYM (crystallin mu; minus strand). Cytogenetic location: 16p12.2.
Variant type: single nucleotide variant.
Coding change: c.762C>T on transcript NM_001376256.1 (MANE Select); coding-DNA position 762, C replaced by T.
Protein change: p.Ala254=; no amino-acid change (alanine 254 retained).
Molecular consequence: synonymous variant.
Genome position (GRCh38, 1-based): chr16:21,262,070, G>A on the plus strand (C>T on the coding strand, the complement: CRYM is on the minus strand). VCF-style: chr16-21262070-G-A. GRCh37 (hg19) VCF-style: chr16-21273391-G-A.
Other names: c.762C>T, p.Ala254= (NM_001888.5).
Identifiers: ClinVar variation 1317752 (VCV001317752.6), dbSNP rs576361852, ClinGen allele CA7950624.
Genomic context (GRCh38, chr16:21,262,070, plus strand): 5'-CCCTGACTGGGGTCAGAAGGGCCTCACCCCTGACAGCAGGACATCTCCAGACTCCTTCAG[G>A]GCAGCCTCCTGGGAATCCACGTACAGCACAGCTTCTTTCATGAGCTCATCATCCAGTTCT-3'
Protein context (NP_001363185.1, residues 244-264): AVLYVDSQEA[Ala254=]LKESGDVLLS

ClinVar aggregate classification (germline): Likely benign. Review status: criteria provided, multiple submitters, no conflicts (2 of 4 stars). 4 submissions from 4 submitters: Likely benign (4). Last evaluated 2025-06-24.

Conditions:
CRYM-related disorder. Also called: CRYM-related condition.

Allele frequency attached by ClinVar (database versions not stated): gnomAD 0.00006 and 0.00007; TOPMed 0.00008; ExAC 0.00010; gnomAD exomes 0.00016; 1000 Genomes Project 0.00040; 1000 Genomes Project 30x 0.00047.
gnomAD v4.1: 75 of 1,614,032 alleles (0.0046%); highest among the groups gnomAD compares: East Asian, 0.14%; no homozygotes.

Submissions (4):

PreventionGenetics, part of Exact Sciences
Classification: Likely benign for CRYM-related condition. Last evaluated: 2025-06-24. Review status: criteria provided, single submitter. Criteria: ACMG Guidelines, 2015. Collection method: clinical testing. Allele origin: germline.
Comment: This variant is classified as likely benign based on ACMG/AMP sequence variant interpretation guidelines (Richards et al. 2015 PMID: 25741868, with internal and published modifications).

Labcorp Genetics (formerly Invitae), Labcorp
Classification: Likely benign. Last evaluated: 2025-03-20. Review status: criteria provided, single submitter. Criteria: Invitae Variant Classification Sherloc (09022015). Collection method: clinical testing. Allele origin: germline.

Blueprint Genetics
Classification: Likely benign. Last evaluated: 2023-05-03. Review status: criteria provided, single submitter. Criteria: ACMG Guidelines, 2015. Collection method: clinical testing. Allele origin: germline.

GeneDx
Classification: Likely benign. Last evaluated: 2020-12-08. Review status: criteria provided, single submitter. Criteria: GeneDx Variant Classification Process June 2021. Collection method: clinical testing. Allele origin: germline. Affected: yes.